The following is an entry in ClinVar:

ClinVar aggregate classification (germline): Uncertain significance (1 of 4 stars; one submission).

Allele frequency attached by ClinVar (database versions not stated): TOPMed below 0.00001; gnomAD exomes below 0.00001.
gnomAD v4.1: 1 of 1,613,494 alleles (0.000062%); highest among the groups gnomAD compares: Non-Finnish European, 0.000085%; no homozygotes.

Submission:

Labcorp Genetics (formerly Invitae), Labcorp
Classification: Uncertain significance. Last evaluated: 2022-09-19. Review status: criteria provided, single submitter. Criteria: Invitae Variant Classification Sherloc (09022015). Collection method: clinical testing. Allele origin: germline.
Comment: In summary, the available evidence is currently insufficient to determine the role of this variant in disease. Therefore, it has been classified as a Variant of Uncertain Significance. Algorithms developed to predict the effect of missense changes on protein structure and function are either unavailable or do not agree on the potential impact of this missense change (SIFT: "Deleterious"; PolyPhen-2: "Probably Damaging"; Align-GVGD: "Class C0"). This variant has not been reported in the literature in individuals affected with FMN1-related conditions. This variant is not present in population databases (gnomAD no frequency). This sequence change replaces tyrosine, which is neutral and polar, with histidine, which is basic and polar, at codon 1111 of the FMN1 protein (p.Tyr1111His).

NM_001277313.2(FMN1):c.4000T>C (p.Tyr1334His)

Gene: FMN1 (formin 1; minus strand). Cytogenetic location: 15q13.3.
Variant type: single nucleotide variant.
Coding change: c.4000T>C on transcript NM_001277313.2 (MANE Select); coding-DNA position 4000, T replaced by C.
Protein change: p.Tyr1334His; replaces tyrosine 1334 with histidine.
Molecular consequence: missense variant.
Genome position (GRCh38, 1-based): chr15:32,798,934, A>G on the plus strand (T>C on the coding strand, the complement: FMN1 is on the minus strand). VCF-style: chr15-32798934-A-G. GRCh37 (hg19) VCF-style: chr15-33091135-A-G.
Other names: c.3331T>C, p.Tyr1111His (NM_001103184.4); short protein forms Y1334H, Y1111H.
Identifiers: ClinVar variation 1950890 (VCV001950890.5), dbSNP rs2057383957, ClinGen allele CA391556787.
Genomic context (GRCh38, chr15:32,798,934, plus strand): 5'-CCATAAACACGTAGCTGGGTGTGATCTCCTTCTCACCAGACTTTGGCTTCATCCCAAAAT[A>G]TCGTACTGTTGTTTCAAAACTGCAACAGGTAGGGGGGAAAATGGAATGAGGTAGAGGTGA-3'
Protein context (NP_001264242.1, residues 1324-1344): AQKSFETTVR[Tyr1334His]FGMKPKSGEK